The following is an entry in ClinVar:

NM_003327.4(TNFRSF4):c.659GCCTGG[3] (p.Leu223_Val224insGlyLeu)

Gene: TNFRSF4 (TNF receptor superfamily member 4; minus strand). Cytogenetic location: 1p36.33.
Variant type: Microsatellite.
Coding change: c.659GCCTGG[3] on transcript NM_003327.4 (MANE Select); three copies in a row of the 6-base unit GCCTGG starting at c.659; the reference has two copies in a row; one copy, 6 bases duplicated.
Protein change: p.Leu223_Val224insGlyLeu.
Molecular consequence: inframe insertion. On other transcripts: inframe indel (1).
Genome position (GRCh38, 1-based): chr1:1,211,797-1,211,802, CCAGGC duplicated on the plus strand (GCCTGG on the coding strand, the reverse complement: TNFRSF4 is on the minus strand); duplicating any 6 consecutive bases within chr1:1,211,797-1,211,813 gives the same sequence; the position shown is the placement nearest the transcript's 3' end. VCF-style (leftmost placement, unchanged base first): chr1-1211796-A-ACCAGGC. GRCh37 (hg19) VCF-style: chr1-1147176-A-ACCAGGC.
Other names: c.654_659CCTGGG[3], p.Leu223_Val224insGlyLeu (NM_001410709.1).
Identifiers: ClinVar variation 2068472 (VCV002068472.4), dbSNP rs756916915, ClinGen allele CA512371.

ClinVar aggregate classification (germline): Uncertain significance (1 of 4 stars; one submission).

Conditions:
Combined immunodeficiency due to OX40 deficiency. Also called: Immunodeficiency 16; OX40 DEFICIENCY. Identifiers: Orphanet 431149, MedGen C3810053, MONDO:0014268, OMIM 615593.

Submission:

Labcorp Genetics (formerly Invitae), Labcorp
Classification: Uncertain significance for Combined immunodeficiency due to OX40 deficiency. Last evaluated: 2025-10-21. Review status: criteria provided, single submitter. Criteria: Invitae Variant Classification Sherloc (09022015). Collection method: clinical testing. Allele origin: germline.
Comment: This variant, c.665_670dup, results in the insertion of 2 amino acid(s) of the TNFRSF4 protein (p.Gly222_Leu223dup), but otherwise preserves the integrity of the reading frame. This variant is present in population databases (rs756916915, gnomAD 0.008%). This variant has not been reported in the literature in individuals affected with TNFRSF4-related conditions. In summary, the available evidence is currently insufficient to determine the role of this variant in disease. Therefore, it has been classified as a Variant of Uncertain Significance.